The following is an entry in ClinVar:

NC_000023.10:g.(?_85090756)_(85404112_?)dup

Genes: CHM (CHM Rab escort protein; minus strand), DACH2 (dachshund family transcription factor 2; plus strand). Cytogenetic location: Xq21.2.
Variant type: Duplication.
Identifiers: ClinVar variation 999031 (VCV000999031.1).

ClinVar aggregate classification (germline): Uncertain significance (1 of 4 stars; one submission).

Submission:

Labcorp Genetics (formerly Invitae), Labcorp
Classification: Uncertain significance. Last evaluated: 2020-07-08. Review status: criteria provided, single submitter. Criteria: Invitae Variant Classification Sherloc (09022015). Collection method: clinical testing. Allele origin: germline.
Comment: This variant results in a copy number gain of the genomic region encompassing the full coding sequence of the CHM gene. The boundaries of this event are unknown as they extend beyond the assayed region for this gene and therefore may encompass additional genes. As the precise location of this event is unknown, it may be in tandem or it may be located elsewhere in the genome. This variant has not been reported in the literature in individuals with CHM-related conditions. In summary, the available evidence is currently insufficient to determine the role of this variant in disease. Therefore, it has been classified as a Variant of Uncertain Significance.